The following is an entry in ClinVar:

ClinVar aggregate classification (germline): Uncertain significance. Review status: criteria provided, multiple submitters, no conflicts (2 of 4 stars). 2 submissions from 2 submitters: Uncertain significance (2). Last evaluated 2024-02-22.

Conditions:
DICER1-related tumor predisposition. Also called: DICER1-related pleuropulmonary blastoma cancer predisposition syndrome; DICER1 syndrome. Identifiers: Orphanet 284343, MedGen C3839822, MONDO:0100216.
Hereditary cancer-predisposing syndrome. Also called: Neoplastic Syndromes, Hereditary; Hereditary Cancer Syndrome; Hereditary neoplastic syndrome; Tumor predisposition. Identifiers: Orphanet 140162, MedGen C0027672, MeSH D009386, MONDO:0015356.

Submissions (2):

Ambry Genetics
Classification: Uncertain significance for Hereditary cancer-predisposing syndrome. Last evaluated: 2024-02-22. Review status: criteria provided, single submitter. Criteria: Ambry Variant Classification Scheme 2023. Collection method: clinical testing. Allele origin: germline.
Comment: The p.E227Q variant (also known as c.679G>C), located in coding exon 5 of the DICER1 gene, results from a G to C substitution at nucleotide position 679. The glutamic acid at codon 227 is replaced by glutamine, an amino acid with highly similar properties. This amino acid position is highly conserved in available vertebrate species. In addition, the in silico prediction for this alteration is inconclusive. Since supporting evidence is limited at this time, the clinical significance of this alteration remains unclear.

Labcorp Genetics (formerly Invitae), Labcorp
Classification: Uncertain significance for DICER1-related tumor predisposition. Last evaluated: 2022-01-31. Review status: criteria provided, single submitter. Criteria: Invitae Variant Classification Sherloc (09022015). Collection method: clinical testing. Allele origin: germline.
Comment: In summary, the available evidence is currently insufficient to determine the role of this variant in disease. Therefore, it has been classified as a Variant of Uncertain Significance. This sequence change replaces glutamic acid, which is acidic and polar, with glutamine, which is neutral and polar, at codon 227 of the DICER1 protein (p.Glu227Gln). This variant is not present in population databases (gnomAD no frequency). This variant has not been reported in the literature in individuals affected with DICER1-related conditions. ClinVar contains an entry for this variant (Variation ID: 826627). Algorithms developed to predict the effect of missense changes on protein structure and function (SIFT, PolyPhen-2, Align-GVGD) all suggest that this variant is likely to be disruptive.

NM_177438.3(DICER1):c.679G>C (p.Glu227Gln)

Gene: DICER1 (dicer 1, ribonuclease III; minus strand). Cytogenetic location: 14q32.13.
Variant type: single nucleotide variant.
Coding change: c.679G>C on transcript NM_177438.3 (MANE Select); coding-DNA position 679, G replaced by C.
Protein change: p.Glu227Gln; replaces glutamic acid 227 with glutamine.
Molecular consequence: missense variant.
Genome position (GRCh38, 1-based): chr14:95,129,527, C>G on the plus strand (G>C on the coding strand, the complement: DICER1 is on the minus strand). VCF-style: chr14-95129527-C-G. GRCh37 (hg19) VCF-style: chr14-95595864-C-G.
Other names: c.679G>C, p.Glu227Gln (NM_001195573.1, NM_001271282.3, NM_001291628.2 and 1 more transcripts); short protein forms E227Q.
Identifiers: ClinVar variation 826627 (VCV000826627.9), dbSNP rs1595456849, ClinGen allele CA390888078.